The following is an entry in ClinVar:

ClinVar aggregate classification (germline): Uncertain significance. Review status: criteria provided, multiple submitters, no conflicts (2 of 4 stars). 2 submissions from 2 submitters: Uncertain significance (2). Last evaluated 2026-01-05.

Conditions:
Inborn genetic diseases. Identifiers: MedGen C0950123, MeSH D030342.
Spastic ataxia 2. Also called: Ataxia, spastic, 2, autosomal recessive. Identifiers: Orphanet 397946, MedGen C1969796, MONDO:0012651, OMIM 611302.

Allele frequency attached by ClinVar (database versions not stated): TOPMed 0.00005; ExAC 0.00006.

Submissions (2):

Labcorp Genetics (formerly Invitae), Labcorp
Classification: Uncertain significance for Spastic ataxia 2. Last evaluated: 2026-01-05. Review status: criteria provided, single submitter. Criteria: Invitae Variant Classification Sherloc (09022015). Collection method: clinical testing. Allele origin: germline.
Comment: This sequence change replaces glutamic acid, which is acidic and polar, with glutamine, which is neutral and polar, at codon 758 of the KIF1C protein (p.Glu758Gln). This variant is present in population databases (rs763427425, gnomAD 0.01%). This variant has not been reported in the literature in individuals affected with KIF1C-related conditions. ClinVar contains an entry for this variant (Variation ID: 2057016). An algorithm developed to predict the effect of missense changes on protein structure and function (PolyPhen-2) suggests that this variant is likely to be disruptive. In summary, the available evidence is currently insufficient to determine the role of this variant in disease. Therefore, it has been classified as a Variant of Uncertain Significance.

Ambry Genetics
Classification: Uncertain significance for Inborn genetic diseases. Last evaluated: 2023-03-21. Review status: criteria provided, single submitter. Criteria: Ambry Variant Classification Scheme 2023. Collection method: clinical testing. Allele origin: germline.

NM_006612.6(KIF1C):c.2272G>C (p.Glu758Gln)

Gene: KIF1C (kinesin family member 1C; plus strand). Cytogenetic location: 17p13.2.
Variant type: single nucleotide variant.
Coding change: c.2272G>C on transcript NM_006612.6 (MANE Select); coding-DNA position 2272, G replaced by C.
Protein change: p.Glu758Gln; replaces glutamic acid 758 with glutamine.
Molecular consequence: missense variant.
Genome position (GRCh38, 1-based): chr17:5,022,353, G>C. VCF-style: chr17-5022353-G-C. GRCh37 (hg19) VCF-style: chr17-4925648-G-C.
Other names: c.2272G>C (NM_006612.5); short protein forms E758Q.
Identifiers: ClinVar variation 2057016 (VCV002057016.4), dbSNP rs763427425, ClinGen allele CA8319255.